The following is an entry in ClinVar:

NM_002291.3(LAMB1):c.3012G>A (p.Thr1004=)

Gene: LAMB1 (laminin subunit beta 1; minus strand). Cytogenetic location: 7q31.1.
Variant type: single nucleotide variant.
Coding change: c.3012G>A on transcript NM_002291.3 (MANE Select); coding-DNA position 3012, G replaced by A.
Protein change: p.Thr1004=; no amino-acid change (threonine 1004 retained).
Molecular consequence: synonymous variant.
Genome position (GRCh38, 1-based): chr7:107,953,597, C>T on the plus strand (G>A on the coding strand, the complement: LAMB1 is on the minus strand). VCF-style: chr7-107953597-C-T. GRCh37 (hg19) VCF-style: chr7-107594042-C-T.
Identifiers: ClinVar variation 435719 (VCV000435719.21), dbSNP rs113725211, ClinGen allele CA4435462.

ClinVar aggregate classification (germline): Benign/Likely benign. Review status: criteria provided, multiple submitters, no conflicts (2 of 4 stars). 6 submissions from 6 submitters: Benign (2); Likely benign (3). 1 of the submissions does not count toward it. Last evaluated 2026-01-26.

Conditions:
LAMB1-related disorder. Also called: LAMB1-related condition.

Allele frequency attached by ClinVar (database versions not stated): gnomAD exomes 0.00044 and 0.00115; ExAC 0.00138; gnomAD 0.00451 and 0.00487; ESP Exome Variant Server 0.00461; TOPMed 0.00517; 1000 Genomes Project 0.00519; 1000 Genomes Project 30x 0.00562.
gnomAD v4.1: 1,352 of 1,614,182 alleles (0.084%); highest among the groups gnomAD compares: African/African-American, 1.6%; 8 homozygotes.

Submissions (6):

Labcorp Genetics (formerly Invitae), Labcorp
Classification: Benign. Last evaluated: 2026-01-26. Review status: criteria provided, single submitter. Criteria: Invitae Variant Classification Sherloc (09022015). Collection method: clinical testing. Allele origin: germline.

Blueprint Genetics
Classification: Likely benign. Last evaluated: 2024-06-27. Review status: criteria provided, single submitter. Criteria: ACMG Guidelines, 2015. Collection method: clinical testing. Allele origin: germline.

GeneDx
Classification: Benign. Last evaluated: 2019-10-04. Review status: criteria provided, single submitter. Criteria: GeneDx Variant Classification Process June 2021. Collection method: clinical testing. Allele origin: germline. Affected: yes.

Genetic Services Laboratory, University of Chicago
Classification: Likely benign. Last evaluated: 2017-02-01. Review status: criteria provided, single submitter. Criteria: ACMG Guidelines, 2015. Collection method: clinical testing. Allele origin: germline. Affected: no.

Breakthrough Genomics
Classification: Likely benign. Review status: criteria provided, single submitter. Criteria: ACMG Guidelines, 2015. Collection method: not provided. Allele origin: germline. Inheritance: Autosomal recessive inheritance. Affected: yes.

PreventionGenetics, part of Exact Sciences
Classification: Benign for LAMB1-related condition. Last evaluated: 2019-05-31. Review status: no assertion criteria provided. Collection method: clinical testing. Allele origin: germline. Not counted in ClinVar's aggregate classification.
Comment: This variant is classified as benign based on ACMG/AMP sequence variant interpretation guidelines (Richards et al. 2015 PMID: 25741868, with internal and published modifications).